The following is an entry in ClinVar:

ClinVar aggregate classification (germline): Pathogenic/Likely pathogenic. Review status: criteria provided, multiple submitters, no conflicts (2 of 4 stars). 2 submissions from 2 submitters: Pathogenic (1); Likely pathogenic (1). Last evaluated 2025-12-30.

Conditions:
Sandhoff disease. Also called: GM2-GANGLIOSIDOSIS, TYPE II; HEXOSAMINIDASES A AND B DEFICIENCY; Beta-hexosaminidase-beta-subunit deficiency; GM2 gangliosidosis, type 2; Total hexosaminidase deficiency; Sandhoff-Jatzkewitz-Pilz disease. Identifiers: Orphanet 796, MedGen C0036161, MONDO:0010006, OMIM 268800.

Submissions (2):

Natera, Inc.
Classification: Likely pathogenic for Sandhoff disease. Last evaluated: 2025-12-30. Review status: criteria provided, single submitter. Criteria: Natera Variant Classification Schema (03/2026). Collection method: clinical testing. Allele origin: germline.
Comment: The c.838_863dup variant in HEXB is a frameshift variant predicted to shift the reading frame beginning at codon 288 and leads to a stop codon 28 codons downstream. This variant is expected to result in nonsense mediated decay, truncation, or a dysfunctional protein product. This variant is rare in the general population with a frequency below the threshold expected for the associated phenotype(s). Given the available evidence, this variant is classified as Likely Pathogenic.

Labcorp Genetics (formerly Invitae), Labcorp
Classification: Pathogenic for Sandhoff disease. Last evaluated: 2023-03-12. Review status: criteria provided, single submitter. Criteria: Invitae Variant Classification Sherloc (09022015). Collection method: clinical testing. Allele origin: germline.
Comment: This sequence change creates a premature translational stop signal (p.Glu288Aspfs*28) in the HEXB gene. It is expected to result in an absent or disrupted protein product. Loss-of-function variants in HEXB are known to be pathogenic (PMID: 7550345, 18758829). For these reasons, this variant has been classified as Pathogenic. This variant has not been reported in the literature in individuals affected with HEXB-related conditions. This variant is not present in population databases (gnomAD no frequency).

Literature cited by the submitters: PubMed 7550345 (cited by Labcorp Genetics (formerly Invitae), Labcorp); PubMed 18758829 (cited by Labcorp Genetics (formerly Invitae), Labcorp).

NM_000521.4(HEXB):c.838_863dup (p.Glu288fs)

Gene: HEXB (hexosaminidase subunit beta; plus strand). Cytogenetic location: 5q13.3.
Variant type: Duplication.
Coding change: c.838_863dup on transcript NM_000521.4 (MANE Select); coding-DNA positions 838 to 863, 26 bases duplicated (TTACGAGGAATTCGAGTCCTGCCAGA).
Protein change: p.Glu288fs; shifts the reading frame from glutamic acid 288.
Molecular consequence: frameshift variant.
Genome position (GRCh38, 1-based): chr5:74,713,572-74,713,597, TTACGAGGAATTCGAGTCCTGCCAGA duplicated; duplicating any 26 consecutive bases within chr5:74,713,565-74,713,597 gives the same sequence; the c. name uses the placement nearest the transcript's 3' end. VCF-style (leftmost placement, unchanged base first): chr5-74713564-A-ATGCCAGATTACGAGGAATTCGAGTCC. GRCh37 (hg19) VCF-style: chr5-74009389-A-ATGCCAGATTACGAGGAATTCGAGTCC.
Other names: c.838_863dup (NM_000521.3); c.163_188dup, p.Glu63fs (NM_001292004.2); short protein forms E288fs, E63fs.
Identifiers: ClinVar variation 3023739 (VCV003023739.4), dbSNP rs2478752513, ClinGen allele CA2674239723.